The following is an entry in ClinVar:

NM_013275.6(ANKRD11):c.5355A>G (p.Thr1785=)

Gene: ANKRD11 (ankyrin repeat domain 11; minus strand). Cytogenetic location: 16q24.3.
Variant type: single nucleotide variant.
Coding change: c.5355A>G on transcript NM_013275.6 (MANE Select); coding-DNA position 5355, A replaced by G.
Protein change: p.Thr1785=; no amino-acid change (threonine 1785 retained).
Molecular consequence: synonymous variant.
Genome position (GRCh38, 1-based): chr16:89,281,187, T>C on the plus strand (A>G on the coding strand, the complement: ANKRD11 is on the minus strand). VCF-style: chr16-89281187-T-C. GRCh37 (hg19) VCF-style: chr16-89347595-T-C.
Other names: c.5355A>G (NM_013275.4); c.5355A>G, p.Thr1785= (NM_001256182.2, NM_001256183.2).
Identifiers: ClinVar variation 725632 (VCV000725632.12), dbSNP rs766131389, ClinGen allele CA8241867.
Genomic context (GRCh38, chr16:89,281,187, plus strand): 5'-GACGCTGAATTCTTCCTCGGGGGTCCTCCTAATGTCGACAGAGACCGAGCGGTAAAGGTT[T>C]GTGGAGAGAGGCCTGGCAGGAGCCTGGCTGGCGTTTTCCGAAAGCCCACTTGAAGCCACG-3'
Protein context (NP_037407.4, residues 1775-1795): ASQAPARPLS[Thr1785=]NLYRSVSVDI

ClinVar aggregate classification (germline): Likely benign. Review status: criteria provided, multiple submitters, no conflicts (2 of 4 stars). 3 submissions from 3 submitters: Likely benign (2). 1 of the submissions does not count toward it. Last evaluated 2026-04-08.

Conditions:
ANKRD11-related disorder. Also called: ANKRD11-related condition.
Inborn genetic diseases. Identifiers: MedGen C0950123, MeSH D030342.
KBG syndrome (KBGS). Also called: ANKRD11-Related KBG Syndrome. Identifiers: Orphanet 2332, MedGen C0220687, MONDO:0007846, OMIM 148050.

Allele frequency attached by ClinVar (database versions not stated): gnomAD exomes 0.00002 and 0.00003; TOPMed 0.00002; gnomAD 0.00001; ExAC 0.00002.
gnomAD v4.1: 14 of 1,613,974 alleles (0.00087%); highest among the groups gnomAD compares: Admixed American, 0.023%; no homozygotes.

Submissions (3):

Ambry Genetics
Classification: Likely benign for Inborn genetic diseases. Last evaluated: 2026-04-08. Review status: criteria provided, single submitter. Criteria: Ambry Variant Classification Scheme 2023. Collection method: clinical testing. Allele origin: germline.

Labcorp Genetics (formerly Invitae), Labcorp
Classification: Likely benign for KBG syndrome. Last evaluated: 2025-11-28. Review status: criteria provided, single submitter. Criteria: Invitae Variant Classification Sherloc (09022015). Collection method: clinical testing. Allele origin: germline.

PreventionGenetics, part of Exact Sciences
Classification: Likely benign for ANKRD11-related condition. Last evaluated: 2020-10-13. Review status: no assertion criteria provided. Collection method: clinical testing. Allele origin: germline. Not counted in ClinVar's aggregate classification.
Comment: This variant is classified as likely benign based on ACMG/AMP sequence variant interpretation guidelines (Richards et al. 2015 PMID: 25741868, with internal and published modifications).